The following is an entry in ClinVar:

ClinVar aggregate classification (germline): Uncertain significance. Review status: criteria provided, multiple submitters, no conflicts (2 of 4 stars). 2 submissions from 2 submitters: Uncertain significance (2). Last evaluated 2023-02-16.

Allele frequency attached by ClinVar (database versions not stated): gnomAD exomes below 0.00001.
gnomAD v4.1: 5 of 1,614,088 alleles (0.00031%); highest among the groups gnomAD compares: Non-Finnish European, 0.00034%; no homozygotes.

Submissions (2):

Ambry Genetics
Classification: Uncertain significance. Last evaluated: 2023-02-16. Review status: criteria provided, single submitter. Criteria: Ambry Variant Classification Scheme 2023. Collection method: clinical testing. Allele origin: germline.

Labcorp Genetics (formerly Invitae), Labcorp
Classification: Uncertain significance. Last evaluated: 2022-09-09. Review status: criteria provided, single submitter. Criteria: Invitae Variant Classification Sherloc (09022015). Collection method: clinical testing. Allele origin: germline.
Comment: In summary, the available evidence is currently insufficient to determine the role of this variant in disease. Therefore, it has been classified as a Variant of Uncertain Significance. Algorithms developed to predict the effect of missense changes on protein structure and function are either unavailable or do not agree on the potential impact of this missense change (SIFT: "Tolerated"; PolyPhen-2: "Probably Damaging"; Align-GVGD: "Class C0"). This variant has not been reported in the literature in individuals affected with NIN-related conditions. This variant is not present in population databases (gnomAD no frequency). This sequence change replaces glutamic acid, which is acidic and polar, with glutamine, which is neutral and polar, at codon 1243 of the NIN protein (p.Glu1243Gln).

NM_020921.4(NIN):c.3727G>C (p.Glu1243Gln)

Gene: NIN (ninein; minus strand). Cytogenetic location: 14q22.1.
Variant type: single nucleotide variant.
Coding change: c.3727G>C on transcript NM_020921.4 (MANE Select); coding-DNA position 3727, G replaced by C.
Protein change: p.Glu1243Gln; replaces glutamic acid 1243 with glutamine.
Molecular consequence: missense variant. On other transcripts: intron variant (1).
Genome position (GRCh38, 1-based): chr14:50,757,303, C>G on the plus strand (G>C on the coding strand, the complement: NIN is on the minus strand). VCF-style: chr14-50757303-C-G. GRCh37 (hg19) VCF-style: chr14-51224021-C-G.
Other names: c.3727G>C, p.Glu1243Gln (NM_182944.3, NM_182946.2); c.2400-2436G>C (NM_016350.5); c.3727G>C (NM_020921.3); short protein forms E1243Q.
Identifiers: ClinVar variation 2029654 (VCV002029654.6), dbSNP rs1566811366, ClinGen allele CA389696173.